The following is an entry in ClinVar:

NM_001244008.2(KIF1A):c.2449C>A (p.Arg817Ser)

Gene: KIF1A (kinesin family member 1A; minus strand). Cytogenetic location: 2q37.3.
Variant type: single nucleotide variant.
Coding change: c.2449C>A on transcript NM_001244008.2 (MANE Select); coding-DNA position 2449, C replaced by A.
Protein change: p.Arg817Ser; replaces arginine 817 with serine.
Molecular consequence: missense variant.
Genome position (GRCh38, 1-based): chr2:240,758,493, G>T on the plus strand (C>A on the coding strand, the complement: KIF1A is on the minus strand). VCF-style: chr2-240758493-G-T. GRCh37 (hg19) VCF-style: chr2-241697910-G-T.
Other names: c.2449C>A, p.Arg817Ser (NM_001320705.2, NM_001330289.2, NM_001379638.1); c.2524C>A, p.Arg842Ser (NM_001330290.2, NM_001379631.1, NM_001379634.1 and 2 more transcripts); c.2422C>A, p.Arg808Ser (NM_001379632.1, NM_001379633.1, NM_001379636.1 and 11 more transcripts); c.2497C>A, p.Arg833Ser (NM_001379637.1, NM_001379648.1); short protein forms R808S, R817S, R833S, R842S.
Identifiers: ClinVar variation 1878899 (VCV001878899.4), dbSNP rs2537539169, ClinGen allele CA351324092.
Genomic context (GRCh38, chr2:240,758,493, plus strand): 5'-CGATGACACTGGAGGGCACCTCTGCAGCGCGGTCGTACATCTCCCGCATCAGGTCCAGAC[G>T]CTGCCTGCAGGGACGGCAGGGGTCAATGTGGACCCAGGCCCAGCGCTCAGCAGCTGGCAC-3'
Protein context (NP_001230937.1, residues 807-827): HYWTLEKLRQ[Arg817Ser]LDLMREMYDR

ClinVar aggregate classification (germline): Uncertain significance. Review status: criteria provided, multiple submitters, no conflicts (2 of 4 stars). 2 submissions from 2 submitters: Uncertain significance (2). Last evaluated 2024-03-19.

Conditions:
Hereditary spastic paraplegia 30. Identifiers: Orphanet 101010, MedGen C5235139, MONDO:0012476.
Neuropathy, hereditary sensory, type 2C. Also called: Hereditary sensory and autonomic neuropathy type IIC; KIF1A-Related HSAN2 (HSAN2C). Identifiers: Orphanet 970, MedGen C3280168, MONDO:0013634, OMIM 614213.
Intellectual disability, autosomal dominant 9 (NESCAVS). Also called: NESCAV SYNDROME; KIF1A-Related Neurodevelopmental Disorder. Identifiers: Orphanet 662367, MedGen C5393830, MONDO:0013656, OMIM 614255.

gnomAD v4.1: 1 of 1,579,850 alleles (0.000063%); highest among the groups gnomAD compares: Non-Finnish European, 0.000086%; no homozygotes.

Submissions (2):

Labcorp Genetics (formerly Invitae), Labcorp
Classification: Uncertain significance for Hereditary spastic paraplegia 30; Neuropathy, hereditary sensory, type 2C; Intellectual disability, autosomal dominant 9. Last evaluated: 2024-03-19. Review status: criteria provided, single submitter. Criteria: Invitae Variant Classification Sherloc (09022015). Collection method: clinical testing. Allele origin: germline.
Comment: This sequence change replaces arginine, which is basic and polar, with serine, which is neutral and polar, at codon 808 of the KIF1A protein (p.Arg808Ser). This variant is not present in population databases (gnomAD no frequency). This variant has not been reported in the literature in individuals affected with KIF1A-related conditions. ClinVar contains an entry for this variant (Variation ID: 1878899). Advanced modeling of protein sequence and biophysical properties (such as structural, functional, and spatial information, amino acid conservation, physicochemical variation, residue mobility, and thermodynamic stability) has been performed at Invitae for this missense variant, however the output from this modeling did not meet the statistical confidence thresholds required to predict the impact of this variant on KIF1A protein function. In summary, the available evidence is currently insufficient to determine the role of this variant in disease. Therefore, it has been classified as a Variant of Uncertain Significance.

GeneDx
Classification: Uncertain significance. Last evaluated: 2022-07-14. Review status: criteria provided, single submitter. Criteria: GeneDx Variant Classification Process June 2021. Collection method: clinical testing. Allele origin: germline. Affected: yes.
Comment: Not observed at significant frequency in large population cohorts (gnomAD); In silico analysis supports that this missense variant has a deleterious effect on protein structure/function; Has not been previously published as pathogenic or benign to our knowledge; In silico analysis suggests this variant may impact gene splicing. In the absence of RNA/functional studies, the actual effect of this sequence change is unknown.